The following is an entry in ClinVar:

ClinVar aggregate classification (germline): Uncertain significance (1 of 4 stars; one submission).

Conditions:
Bethlem myopathy 1A. Also called: MYOPATHY, BENIGN CONGENITAL, WITH CONTRACTURES; Bethlem myopathy 1; Bethlem Muscular Dystrophy. Identifiers: Orphanet 610, MedGen CN029274, MONDO:0024530, OMIM 158810.

Submission:

Labcorp Genetics (formerly Invitae), Labcorp
Classification: Uncertain significance for Bethlem myopathy 1A. Last evaluated: 2022-04-11. Review status: criteria provided, single submitter. Criteria: Invitae Variant Classification Sherloc (09022015). Collection method: clinical testing. Allele origin: germline.
Comment: In summary, the available evidence is currently insufficient to determine the role of this variant in disease. Therefore, it has been classified as a Variant of Uncertain Significance. Advanced modeling of protein sequence and biophysical properties (such as structural, functional, and spatial information, amino acid conservation, physicochemical variation, residue mobility, and thermodynamic stability) performed at Invitae indicates that this missense variant is not expected to disrupt COL6A3 protein function. This variant has not been reported in the literature in individuals affected with COL6A3-related conditions. This variant is not present in population databases (gnomAD no frequency). This sequence change replaces threonine, which is neutral and polar, with serine, which is neutral and polar, at codon 335 of the COL6A3 protein (p.Thr335Ser).

NM_004369.4(COL6A3):c.1004C>G (p.Thr335Ser)

Gene: COL6A3 (collagen type VI alpha 3 chain; minus strand). Cytogenetic location: 2q37.3.
Variant type: single nucleotide variant.
Coding change: c.1004C>G on transcript NM_004369.4 (MANE Select); coding-DNA position 1004, C replaced by G.
Protein change: p.Thr335Ser; replaces threonine 335 with serine.
Molecular consequence: missense variant. On other transcripts: intron variant (2).
Genome position (GRCh38, 1-based): chr2:237,387,890, G>C on the plus strand (C>G on the coding strand, the complement: COL6A3 is on the minus strand). VCF-style: chr2-237387890-G-C. GRCh37 (hg19) VCF-style: chr2-238296533-G-C.
Other names: c.386C>G, p.Thr129Ser (NM_057165.5, NM_057167.4); c.92-6391C>G (NM_057166.5, NM_057164.5); short protein forms T129S, T335S.
Identifiers: ClinVar variation 2124765 (VCV002124765.4), dbSNP rs2469948760, ClinGen allele CA351222503.